The following is an entry in ClinVar:

NM_017780.4(CHD7):c.7436_7437insATTAA (p.Thr2480fs)

Gene: CHD7 (chromodomain helicase DNA binding protein 7; plus strand). Cytogenetic location: 8q12.2.
Variant type: Insertion.
Coding change: c.7436_7437insATTAA on transcript NM_017780.4 (MANE Select); coding-DNA positions 7436 to 7437, ATTAA inserted.
Protein change: p.Thr2480fs; shifts the reading frame from threonine 2480.
Molecular consequence: frameshift variant. On other transcripts: intron variant (1).
Genome position: GRCh38 VCF-style: chr8-60856712-T-TTTAAA. GRCh37 (hg19) VCF-style: chr8-61769271-T-TTTAAA.
Other names: c.1717-5513_1717-5512insATTAA (NM_001316690.1); short protein forms T2480fs.
Identifiers: ClinVar variation 3646065 (VCV003646065.2).

ClinVar aggregate classification (germline): Pathogenic (1 of 4 stars; one submission).

Conditions:
CHARGE syndrome (CHARGE). Also called: Hittner Hirsch Kreh syndrome; CHARGE ASSOCIATION--COLOBOMA, HEART ANOMALY, CHOANAL ATRESIA, RETARDATION, GENITAL AND EAR ANOMALIES; Coloboma, heart anomaly, choanal atresia, retardation, genital and ear anomalies; CHARGE association; Hall-Hittner syndrome. Identifiers: Orphanet 138, MedGen C0265354, MONDO:0008965.

Submission:

Labcorp Genetics (formerly Invitae), Labcorp
Classification: Pathogenic for CHARGE syndrome. Last evaluated: 2024-03-15. Review status: criteria provided, single submitter. Criteria: Invitae Variant Classification Sherloc (09022015). Collection method: clinical testing. Allele origin: germline.
Comment: This sequence change creates a premature translational stop signal (p.Thr2480Leufs*25) in the CHD7 gene. It is expected to result in an absent or disrupted protein product. Loss-of-function variants in CHD7 are known to be pathogenic (PMID: 22461308, 25077900). This variant is not present in population databases (gnomAD no frequency). This variant has not been reported in the literature in individuals affected with CHD7-related conditions. Algorithms developed to predict the effect of sequence changes on RNA splicing suggest that this variant may disrupt the consensus splice site. For these reasons, this variant has been classified as Pathogenic.

Literature cited by the submitters: PubMed 22461308; PubMed 25077900.